The following is an entry in ClinVar:

ClinVar aggregate classification (germline): Pathogenic (1 of 4 stars; one submission).

Conditions:
MEGF10-related myopathy (CMYO10A). Also called: Congenital myopathy 10A, severe variant. Identifiers: Orphanet 439212, MedGen C3280679, MONDO:0013731, OMIM 614399.

Submission:

Labcorp Genetics (formerly Invitae), Labcorp
Classification: Pathogenic for MEGF10-related myopathy. Last evaluated: 2024-01-15. Review status: criteria provided, single submitter. Criteria: Invitae Variant Classification Sherloc (09022015). Collection method: clinical testing. Allele origin: germline.
Comment: This sequence change creates a premature translational stop signal (p.Thr1032Leufs*20) in the MEGF10 gene. It is expected to result in an absent or disrupted protein product. Loss-of-function variants in MEGF10 are known to be pathogenic (PMID: 22101682, 22371254, 23453856, 23954233). This variant is not present in population databases (gnomAD no frequency). This variant has not been reported in the literature in individuals affected with MEGF10-related conditions. ClinVar contains an entry for this variant (Variation ID: 1457177). For these reasons, this variant has been classified as Pathogenic.

Literature cited by the submitters: PubMed 22101682; PubMed 22371254; PubMed 23453856; PubMed 23954233.

NM_001256545.2(MEGF10):c.3094del (p.Thr1032fs)

Gene: MEGF10 (multiple EGF like domains 10; plus strand). Cytogenetic location: 5q23.2.
Variant type: Deletion.
Coding change: c.3094del on transcript NM_001256545.2 (MANE Select); coding-DNA position 3094, one base deleted (A; older notation c.3094delA).
Protein change: p.Thr1032fs; shifts the reading frame from threonine 1032.
Molecular consequence: frameshift variant.
Genome position (GRCh38, 1-based): chr5:127,455,469, A deleted. VCF-style (leftmost placement, unchanged base first): chr5-127455468-CA-C. GRCh37 (hg19) VCF-style: chr5-126791160-CA-C.
Other names: c.3094del, p.Thr1032fs (NM_032446.3); short protein forms T1032fs.
Identifiers: ClinVar variation 1457177 (VCV001457177.6), dbSNP rs2127045645, ClinGen allele CA2573138886.